The following is an entry in ClinVar:

ClinVar aggregate classification (germline): Benign/Likely benign. Review status: criteria provided, multiple submitters, no conflicts (2 of 4 stars). 6 submissions from 6 submitters: Benign (1); Likely benign (5). Last evaluated 2025-09-02.

Conditions:
Hereditary cancer-predisposing syndrome. Also called: Hereditary Cancer Syndrome; Hereditary neoplastic syndrome; Neoplastic Syndromes, Hereditary; Tumor predisposition. Identifiers: Orphanet 140162, MedGen C0027672, MeSH D009386, MONDO:0015356.
Lynch syndrome 5 (LYNCH5). Also called: Hereditary non-polyposis colorectal cancer, type 5; Colorectal cancer, hereditary nonpolyposis, type 5. Identifiers: Orphanet 144, MedGen C1833477, MONDO:0013710, OMIM 614350. Disease mechanism: loss of function.
Hereditary nonpolyposis colorectal neoplasms. Identifiers: MedGen C0009405, MeSH D003123.

Allele frequency attached by ClinVar (database versions not stated): gnomAD exomes below 0.00001.
gnomAD v4.1: 3 of 1,612,118 alleles (0.00019%); highest among the groups gnomAD compares: Non-Finnish European, 0.00025%; no homozygotes.

Submissions (6):

Labcorp Genetics (formerly Invitae), Labcorp
Classification: Likely benign for Hereditary nonpolyposis colorectal neoplasms. Last evaluated: 2025-09-02. Review status: criteria provided, single submitter. Criteria: Invitae Variant Classification Sherloc (09022015). Collection method: clinical testing. Allele origin: germline.

Myriad Genetics, Inc.
Classification: Benign for Lynch syndrome 5. Last evaluated: 2024-12-17. Review status: criteria provided, single submitter. Criteria: Myriad Autosomal Dominant, Autosomal Recessive and X-Linked Classification Criteria (2023). Collection method: clinical testing. Allele origin: unknown.
Comment: This variant is considered benign. This variant is a silent/synonymous amino acid change and it is not expected to impact splicing.

Sema4
Classification: Likely benign for Hereditary cancer-predisposing syndrome. Last evaluated: 2021-10-19. Review status: criteria provided, single submitter. Criteria: Sema4 Curation Guidelines. Collection method: curation. Allele origin: germline.

Color Diagnostics, LLC DBA Color Health
Classification: Likely benign for Hereditary cancer-predisposing syndrome. Last evaluated: 2020-11-16. Review status: criteria provided, single submitter. Criteria: ACMG Guidelines, 2015. Collection method: clinical testing. Allele origin: germline.

Ambry Genetics
Classification: Likely benign for Hereditary cancer-predisposing syndrome. Last evaluated: 2020-05-30. Review status: criteria provided, single submitter. Criteria: Ambry Variant Classification Scheme 2023. Collection method: clinical testing. Allele origin: germline.

GeneDx
Classification: Likely benign. Last evaluated: 2016-03-17. Review status: criteria provided, single submitter. Criteria: GeneDx Variant Classification (06012015). Collection method: clinical testing. Allele origin: germline. Affected: yes.
Comment: This variant is considered likely benign or benign based on one or more of the following criteria: it is a conservative change, it occurs at a poorly conserved position in the protein, it is predicted to be benign by multiple in silico algorithms, and/or has population frequency not consistent with disease.

NM_000179.3(MSH6):c.69C>G (p.Ala23=)

Gene: MSH6 (mutS homolog 6; plus strand). Cytogenetic location: 2p16.3.
Variant type: single nucleotide variant.
Coding change: c.69C>G on transcript NM_000179.3 (MANE Select); coding-DNA position 69, C replaced by G.
Protein change: p.Ala23=; no amino-acid change (alanine 23 retained).
Molecular consequence: synonymous variant. On other transcripts: 5 prime UTR variant (1).
Genome position (GRCh38, 1-based): chr2:47,783,302, C>G. VCF-style: chr2-47783302-C-G. GRCh37 (hg19) VCF-style: chr2-48010441-C-G.
Other names: c.69C>G, p.Ala23= (NM_001281492.2); c.-668C>G (NM_001281493.2).
Identifiers: ClinVar variation 384920 (VCV000384920.15), dbSNP rs1057522077, ClinGen allele CA16604175.